The following is an entry in ClinVar:

NM_014481.4(APEX2):c.805C>T (p.His269Tyr)

Gene: APEX2 (apurinic/apyrimidinic endodeoxyribonuclease 2; plus strand). Cytogenetic location: Xp11.21.
Variant type: single nucleotide variant.
Coding change: c.805C>T on transcript NM_014481.4 (MANE Select); coding-DNA position 805, C replaced by T.
Protein change: p.His269Tyr; replaces histidine 269 with tyrosine.
Molecular consequence: missense variant.
Genome position (GRCh38, 1-based): chrX:55,006,683, C>T. VCF-style: chrX-55006683-C-T. GRCh37 (hg19) VCF-style: chrX-55033116-C-T.
Other names: c.292C>T, p.His98Tyr (NM_001271748.2); short protein forms H269Y, H98Y.
Identifiers: ClinVar variation 2660688 (VCV002660688.24), dbSNP rs145122391, ClinGen allele CA10428108.

ClinVar aggregate classification (germline): Likely benign (1 of 4 stars; one submission).

Allele frequency attached by ClinVar (database versions not stated): TOPMed 0.00012; ESP Exome Variant Server 0.00019; gnomAD 0.00025; gnomAD exomes 0.00041; ExAC 0.00052; 1000 Genomes Project 0.00132; 1000 Genomes Project 30x 0.00146.
gnomAD v4.1: 457 of 1,165,491 alleles (0.039%); highest among the groups gnomAD compares: South Asian, 0.55%; no homozygotes.

Submission:

CeGaT Center for Human Genetics Tuebingen
Classification: Likely benign. Last evaluated: 2023-03-01. Review status: criteria provided, single submitter. Criteria: CeGaT Center For Human Genetics Tuebingen Variant Classification Criteria Version 2. Collection method: clinical testing. Allele origin: germline. Affected: yes. Observed: 1 variant allele.
Comment: APEX2: BS2